The following is an entry in ClinVar:

ClinVar aggregate classification (germline): Likely benign. Review status: criteria provided, multiple submitters, no conflicts (2 of 4 stars). 2 submissions from 2 submitters: Likely benign (2). Last evaluated 2025-01-06.

Conditions:
Marfan syndrome (MFS). Also called: MARFAN SYNDROME, TYPE I; Marfan syndrome type 1; Marfan's syndrome; Marfan syndrome, classic; FBN1-Related Marfan Syndrome. Identifiers: Orphanet 284963, Orphanet 558, MedGen C0024796, MONDO:0007947, OMIM 154700.
Familial thoracic aortic aneurysm and aortic dissection (TAAD). Also called: Thoracic aortic aneurysms and dissections. Identifiers: Orphanet 91387, MedGen C4707243, MONDO:0019625.

Allele frequency attached by ClinVar (database versions not stated): ExAC 0.00001; gnomAD exomes 0.00001.
gnomAD v4.1: 8 of 1,613,422 alleles (0.0005%); highest among the groups gnomAD compares: South Asian, 0.0088%; no homozygotes.

Submissions (2):

Labcorp Genetics (formerly Invitae), Labcorp
Classification: Likely benign for Marfan syndrome; Familial thoracic aortic aneurysm and aortic dissection. Last evaluated: 2025-01-06. Review status: criteria provided, single submitter. Criteria: Invitae Variant Classification Sherloc (09022015). Collection method: clinical testing. Allele origin: germline.

All of Us Research Program, National Institutes of Health
Classification: Likely benign for Marfan syndrome. Last evaluated: 2023-12-18. Review status: criteria provided, single submitter. Criteria: ACMG Guidelines, 2015. Collection method: clinical testing. Allele origin: germline. Inheritance: Autosomal dominant inheritance. Observed: 1 variant allele, 1 heterozygote.
Comment: This study involves interpretation of variants in research participants for the purpose of population health screening. Participant phenotype was not available at the time of variant classification. Additional details can be found in publication PMID: 35346344, PMCID: PMC8962531

NM_000138.5(FBN1):c.6164-12T>C

Gene: FBN1 (fibrillin 1; minus strand). Cytogenetic location: 15q21.1.
Variant type: single nucleotide variant.
Coding change: c.6164-12T>C on transcript NM_000138.5 (MANE Select); 12 bases into the intron before coding-DNA position 6164, T replaced by C.
Molecular consequence: intron variant.
Genome position (GRCh38, 1-based): chr15:48,437,929, A>G on the plus strand (T>C on the coding strand, the complement: FBN1 is on the minus strand). VCF-style: chr15-48437929-A-G. GRCh37 (hg19) VCF-style: chr15-48730126-A-G.
Other names: c.6164-12T>C (NM_001406716.1).
Identifiers: ClinVar variation 3075162 (VCV003075162.3), dbSNP rs751798984, ClinGen allele CA056351.